The following is an entry in ClinVar:

NM_001267550.2(TTN):c.32240G>A (p.Gly10747Asp)

Gene: TTN (titin; minus strand). Cytogenetic location: 2q31.2.
Variant type: single nucleotide variant.
Coding change: c.32240G>A on transcript NM_001267550.2 (MANE Select); coding-DNA position 32240, G replaced by A.
Protein change: p.Gly10747Asp; replaces glycine 10747 with aspartic acid.
Molecular consequence: missense variant. On other transcripts: intron variant (3).
Genome position (GRCh38, 1-based): chr2:178,688,182, C>T on the plus strand (G>A on the coding strand, the complement: TTN is on the minus strand). VCF-style: chr2-178688182-C-T. GRCh37 (hg19) VCF-style: chr2-179552909-C-T.
Other names: c.31289G>A, p.Gly10430Asp (NM_001256850.1); c.28508G>A, p.Gly9503Asp (NM_133378.4); c.13283-45865G>A (NM_003319.4); c.13859-45865G>A (NM_133437.4); c.13658-45865G>A (NM_133432.3); short protein forms G10430D, G10747D, G9503D.
Identifiers: ClinVar variation 1341514 (VCV001341514.27), dbSNP rs1328991757, ClinGen allele CA349551955.

ClinVar aggregate classification (germline): Conflicting classifications of pathogenicity. Review status: criteria provided, conflicting classifications (1 of 4 stars). 2 submissions from 2 submitters: Likely pathogenic (1); Uncertain significance (1). Last evaluated 2022-08-01.

Conditions:
Tip-toe gait. Also called: Toe walking. Identifiers: MedGen C0427144, HP:0030051.

Allele frequency attached by ClinVar (database versions not stated): gnomAD exomes below 0.00001.
gnomAD v4.1: 3 of 1,612,938 alleles (0.00019%); highest among the groups gnomAD compares: Non-Finnish European, 0.00025%; no homozygotes.

Submissions (2):

CeGaT Center for Human Genetics Tuebingen
Classification: Uncertain significance. Last evaluated: 2022-08-01. Review status: criteria provided, single submitter. Criteria: CeGaT Center For Human Genetics Tuebingen Variant Classification Criteria Version 2. Collection method: clinical testing. Allele origin: germline. Affected: yes. Observed: 1 variant allele.
Comment: TTN: PM2, BP4

Practice for Gait Abnormalities, David Pomarino, Competency Network Toe Walking C/o Practice Pomarino
Classification: Likely pathogenic for Tip-toe gait. Last evaluated: 2022-02-11. Review status: criteria provided, single submitter. Criteria: ACMG Guidelines, 2015. Collection method: clinical testing. Allele origin: germline. Affected: yes.
Comment: Myopathy refers to diseases that affect skeletal Muscles. These diseases attack muscle fibers, making muscles weak. Inherited myopathies are often caused by inheriting an abnormal gene mutation from a parent that causes the disease. Symptoms of congenital myopathies usually start at birth or in early childhood, but may not appear until the teen years or even later in adulthood. Congenital myopathies are somewhat unique compared with other inherited myopathies, as weakness typically affects all muscles and is often not progressive. Symptoms are: Muscle weakness, most commonly of upper arms and shoulders and thighs, muscle cramps, stiffness and spasms, fatigue with exertion and lack of energy. Our patients all walk on tiptoe, so they show similar symptoms. When we genetically test them with our toe walking panel, we find that around 90 per cent of them have a genetic variant that explains their toe walking. These can be assigned, for example, to the area of myopathies (such as variants of the COL6A3 gene), the area of hereditary neuropathies (such as variants of the KMT2C gene) or the area of metabolic diseases (such as variants of the PYGM gene). In a smaller group of patients with almost identical symptoms, no abnormality is found in the genes of our panel, but spastic paraplegia can be detected. In another small group of our toe walkers, no abnormalities can be detected in the genes analysed in our toe walking panel, nor do they suffer from spastic paraplegia, as is also the case with healthy children. In contrast to these, however, they show a tiptoe gait. These patients suffer from infantile cerebral palsy, in which toe walking can also be observed.

Literature cited by the submitters: PubMed 37091313 (cited by Practice for Gait Abnormalities, David Pomarino, Competency Network Toe Walking C/o Practice Pomarino).